The following is an entry in ClinVar:

ClinVar aggregate classification (germline): Uncertain significance (1 of 4 stars; one submission).

Allele frequency attached by ClinVar (database versions not stated): gnomAD exomes below 0.00001; gnomAD 0.00001; ExAC 0.00003.
gnomAD v4.1: 5 of 1,584,216 alleles (0.00032%); highest among the groups gnomAD compares: East Asian, 0.0023%; no homozygotes.

Submission:

Labcorp Genetics (formerly Invitae), Labcorp
Classification: Uncertain significance. Last evaluated: 2022-08-18. Review status: criteria provided, single submitter. Criteria: Invitae Variant Classification Sherloc (09022015). Collection method: clinical testing. Allele origin: germline.
Comment: This sequence change replaces alanine, which is neutral and non-polar, with valine, which is neutral and non-polar, at codon 516 of the SLC12A3 protein (p.Ala516Val). The frequency data for this variant in the population databases is considered unreliable, as metrics indicate poor data quality at this position in the gnomAD database. This variant has not been reported in the literature in individuals affected with SLC12A3-related conditions. Advanced modeling of protein sequence and biophysical properties (such as structural, functional, and spatial information, amino acid conservation, physicochemical variation, residue mobility, and thermodynamic stability) performed at Invitae indicates that this missense variant is expected to disrupt SLC12A3 protein function. In summary, the available evidence is currently insufficient to determine the role of this variant in disease. Therefore, it has been classified as a Variant of Uncertain Significance.

NM_001126108.2(SLC12A3):c.1547C>T (p.Ala516Val)

Gene: SLC12A3 (solute carrier family 12 member 3; plus strand). Cytogenetic location: 16q13.
Variant type: single nucleotide variant.
Coding change: c.1547C>T on transcript NM_001126108.2 (MANE Select); coding-DNA position 1547, C replaced by T.
Protein change: p.Ala516Val; replaces alanine 516 with valine.
Molecular consequence: missense variant.
Genome position (GRCh38, 1-based): chr16:56,880,233, C>T. VCF-style: chr16-56880233-C-T. GRCh37 (hg19) VCF-style: chr16-56914145-C-T.
Other names: c.1547C>T, p.Ala516Val (NM_000339.3); c.1544C>T, p.Ala515Val (NM_001126107.2, NM_001410896.1); short protein forms A515V, A516V.
Identifiers: ClinVar variation 2138959 (VCV002138959.1), dbSNP rs758335661, ClinGen allele CA8069515.
Genomic context (GRCh38, chr16:56,880,233, plus strand): 5'-GCAAAGGCTATGGCAAGAACAAGGAGCCCGTGCGTGGCTACCTGCTGGCCTACGCCATCG[C>T]TGTGGCCTTCATCATCATCGGTAAGGCTCTGCCAGGGCTCACAGGGCCTGGCCTCCTGTT-3'
Protein context (NP_001119580.2, residues 506-526): VRGYLLAYAI[Ala516Val]VAFIIIAELN